The following is an entry in ClinVar:

ClinVar aggregate classification (germline): Likely pathogenic (1 of 4 stars; one submission).

Conditions:
Hermansky-Pudlak syndrome 2 (HPS2). Also called: Platelet defects and oculocutaneous albinism. Identifiers: Orphanet 183678, Orphanet 79430, MedGen C1842362, MONDO:0011997, OMIM 608233.

Submission:

Labcorp Genetics (formerly Invitae), Labcorp
Classification: Likely pathogenic for Hermansky-Pudlak syndrome 2. Last evaluated: 2023-01-10. Review status: criteria provided, single submitter. Criteria: Invitae Variant Classification Sherloc (09022015). Collection method: clinical testing. Allele origin: germline.
Comment: This sequence change affects a donor splice site in intron 16 of the AP3B1 gene. It is expected to disrupt RNA splicing. Variants that disrupt the donor or acceptor splice site typically lead to a loss of protein function (PMID: 16199547), and loss-of-function variants in AP3B1 are known to be pathogenic (PMID: 16507770, 23403622). This variant is not present in population databases (gnomAD no frequency). This variant has not been reported in the literature in individuals affected with AP3B1-related conditions. ClinVar contains an entry for this variant (Variation ID: 1501119). Algorithms developed to predict the effect of sequence changes on RNA splicing suggest that this variant may disrupt the consensus splice site. In summary, the currently available evidence indicates that the variant is pathogenic, but additional data are needed to prove that conclusively. Therefore, this variant has been classified as Likely Pathogenic.

Literature cited by the submitters: PubMed 16199547; PubMed 16507770; PubMed 23403622.

NM_003664.5(AP3B1):c.1837+2T>C

Gene: AP3B1 (adaptor related protein complex 3 subunit beta 1; minus strand). Cytogenetic location: 5q14.1.
Variant type: single nucleotide variant.
Coding change: c.1837+2T>C on transcript NM_003664.5 (MANE Select); the canonical splice donor site of the intron after coding-DNA position 1837, T replaced by C.
Molecular consequence: splice donor variant.
Genome position (GRCh38, 1-based): chr5:78,129,119, A>G on the plus strand (T>C on the coding strand, the complement: AP3B1 is on the minus strand). VCF-style: chr5-78129119-A-G. GRCh37 (hg19) VCF-style: chr5-77424943-A-G.
Other names: c.1690+2T>C (NM_001271769.2); c.1837+2T>C (NM_001410752.1).
Identifiers: ClinVar variation 1501119 (VCV001501119.6), dbSNP rs2112300864, ClinGen allele CA360187379.